The following is an entry in ClinVar:

NM_001184880.2(PCDH19):c.2380GAG[1] (p.Glu795del)

Genes: PCDH19 (protocadherin 19; minus strand), LOC125467768 (CDK7 strongly-dependent group 2 enhancer GRCh37_chrX:99657381-99658580; plus strand). Cytogenetic location: Xq22.1.
Variant type: Microsatellite.
Coding change: c.2380GAG[1] on transcript NM_001184880.2 (MANE Select); one copy of the 3-base unit GAG starting at c.2380; the reference has two copies in a row; one copy, 3 bases deleted.
Protein change: p.Glu795del; deletes glutamic acid 795.
Molecular consequence: inframe deletion.
Genome position (GRCh38, 1-based): chrX:100,402,755-100,402,757, CTC deleted on the plus strand (GAG on the coding strand, the reverse complement: PCDH19 is on the minus strand); deleting any 3 consecutive bases within chrX:100,402,755-100,402,761 gives the same sequence; the position shown is the placement nearest the transcript's 3' end. VCF-style (leftmost placement, unchanged base first): chrX-100402754-TCTC-T. GRCh37 (hg19) VCF-style: chrX-99657752-TCTC-T.
Other names: c.2239GAG[1], p.Glu748del (NM_001105243.2, NM_020766.3); short protein forms E748del, E795del.
Identifiers: ClinVar variation 2692593 (VCV002692593.3), dbSNP rs755231220, ClinGen allele CA10468773.

ClinVar aggregate classification (germline): Uncertain significance (1 of 4 stars; one submission).

Conditions:
Developmental and epileptic encephalopathy, 9 (DEE9). Also called: JUBERG-HELLMAN SYNDROME; EPILEPSY, FEMALE-RESTRICTED, WITH MENTAL RETARDATION; Early infantile epileptic encephalopathy 9; PCDH19-Related X-Linked Female-Limited Epilepsy with Mental Retardation. Identifiers: Orphanet 101039, Orphanet 2076, MedGen C1848137, MONDO:0010246, OMIM 300088. Disease mechanism: loss of function.

Submission:

Labcorp Genetics (formerly Invitae), Labcorp
Classification: Uncertain significance for Developmental and epileptic encephalopathy, 9. Last evaluated: 2023-05-23. Review status: criteria provided, single submitter. Criteria: Invitae Variant Classification Sherloc (09022015). Collection method: clinical testing. Allele origin: germline.
Comment: In summary, the available evidence is currently insufficient to determine the role of this variant in disease. Therefore, it has been classified as a Variant of Uncertain Significance. Experimental studies and prediction algorithms are not available or were not evaluated, and the functional significance of this variant is currently unknown. This variant has not been reported in the literature in individuals affected with PCDH19-related conditions. This variant is present in population databases (rs755231220, gnomAD 0.005%). This variant, c.2383_2385del, results in the deletion of 1 amino acid(s) of the PCDH19 protein (p.Glu795del), but otherwise preserves the integrity of the reading frame.